The following is an entry in ClinVar:

NM_014361.4(CNTN5):c.3080A>C (p.Gln1027Pro)

Gene: CNTN5 (contactin 5; plus strand). Cytogenetic location: 11q22.1.
Variant type: single nucleotide variant.
Coding change: c.3080A>C on transcript NM_014361.4 (MANE Select); coding-DNA position 3080, A replaced by C.
Protein change: p.Gln1027Pro; replaces glutamine 1027 with proline.
Molecular consequence: missense variant.
Genome position (GRCh38, 1-based): chr11:100,350,751, A>C. VCF-style: chr11-100350751-A-C. GRCh37 (hg19) VCF-style: chr11-100221482-A-C.
Other names: c.3080A>C, p.Gln1027Pro (NM_001243270.2); c.2858A>C, p.Gln953Pro (NM_175566.2); short protein forms Q1027P, Q953P.
Identifiers: ClinVar variation 3038032 (VCV003038032.2), dbSNP rs200442733, ClinGen allele CA6242930.
Genomic context (GRCh38, chr11:100,350,751, plus strand): 5'-ATTACTCTCAGGTTTTTTATAGGCAAGAGGGTCACAGCAACAGCCAAGTTATTGAAACAC[A>C]GAAACTTCAAGCAGTAGTACCACTCCCAGATGCTGGAGTCTATATTATTGAAGTTCGAGC-3'
Protein context (NP_055176.1, residues 1017-1037): GHSNSQVIET[Gln1027Pro]KLQAVVPLPD

ClinVar aggregate classification (germline): Benign (0 of 4 stars; one submission).

Conditions:
CNTN5-related disorder. Also called: CNTN5-related condition.

Allele frequency attached by ClinVar (database versions not stated): TOPMed 0.00011; gnomAD 0.00055; gnomAD exomes 0.00114; ExAC 0.00270; 1000 Genomes Project 0.00419; 1000 Genomes Project 30x 0.00422.
gnomAD v4.1: 1,746 of 1,608,750 alleles (0.11%); highest among the groups gnomAD compares: South Asian, 1.8%; 38 homozygotes.

Submission:

PreventionGenetics, part of Exact Sciences
Classification: Benign for CNTN5-related condition. Last evaluated: 2019-05-08. Review status: no assertion criteria provided. Collection method: clinical testing. Allele origin: germline.
Comment: This variant is classified as benign based on ACMG/AMP sequence variant interpretation guidelines (Richards et al. 2015 PMID: 25741868, with internal and published modifications).